The following is an entry in ClinVar:

ClinVar aggregate classification (germline): Uncertain significance (1 of 4 stars; one submission).

Allele frequency attached by ClinVar (database versions not stated): gnomAD exomes below 0.00001.
gnomAD v4.1: 1 of 1,602,060 alleles (0.000062%); highest among the groups gnomAD compares: East Asian, 0.0022%; no homozygotes.

Submission:

Labcorp Genetics (formerly Invitae), Labcorp
Classification: Uncertain significance. Last evaluated: 2022-01-16. Review status: criteria provided, single submitter. Criteria: Invitae Variant Classification Sherloc (09022015). Collection method: clinical testing. Allele origin: germline.
Comment: This variant has not been reported in the literature in individuals affected with MYO6-related conditions. In summary, the available evidence is currently insufficient to determine the role of this variant in disease. Therefore, it has been classified as a Variant of Uncertain Significance. Algorithms developed to predict the effect of missense changes on protein structure and function (SIFT, PolyPhen-2, Align-GVGD) all suggest that this variant is likely to be tolerated. This variant is not present in population databases (gnomAD no frequency). This sequence change replaces leucine, which is neutral and non-polar, with valine, which is neutral and non-polar, at codon 958 of the MYO6 protein (p.Leu958Val).

NM_004999.4(MYO6):c.2872C>G (p.Leu958Val)

Gene: MYO6 (myosin VI; plus strand). Cytogenetic location: 6q14.1.
Variant type: single nucleotide variant.
Coding change: c.2872C>G on transcript NM_004999.4 (MANE Select); coding-DNA position 2872, C replaced by G.
Protein change: p.Leu958Val; replaces leucine 958 with valine.
Molecular consequence: missense variant. On other transcripts: non-coding transcript variant (1).
Genome position (GRCh38, 1-based): chr6:75,891,232, C>G. VCF-style: chr6-75891232-C-G. GRCh37 (hg19) VCF-style: chr6-76600949-C-G.
Other names: c.2872C>G, p.Leu958Val (NM_001368865.1, NM_001368866.1, NM_001300899.2 and 2 more transcripts); c.2857C>G, p.Leu953Val (NM_001368138.1); short protein forms L953V, L958V.
Identifiers: ClinVar variation 2085873 (VCV002085873.4), dbSNP rs2535600117, ClinGen allele CA364777417.